The following is an entry in ClinVar:

ClinVar aggregate classification (germline): Likely benign. Review status: criteria provided, multiple submitters, no conflicts (2 of 4 stars). 5 submissions from 5 submitters: Likely benign (5). Last evaluated 2026-05-28.

Conditions:
Autosomal recessive limb-girdle muscular dystrophy type 2J (LGMDR10). Also called: Limb-girdle muscular dystrophy, type 2J; MUSCULAR DYSTROPHY, LIMB-GIRDLE, AUTOSOMAL RECESSIVE 10. Identifiers: Orphanet 140922, MedGen C1837342, MONDO:0012127, OMIM 608807.
Dilated cardiomyopathy 1G (CMD1G). Identifiers: Orphanet 154, MedGen C1858763, MONDO:0011400, OMIM 604145.
Cardiovascular phenotype. Identifiers: MedGen CN230736.

Allele frequency attached by ClinVar (database versions not stated): ExAC 0.00001; gnomAD exomes 0.00001; TOPMed 0.00001.
gnomAD v4.1: 14 of 1,613,724 alleles (0.00087%); highest among the groups gnomAD compares: South Asian, 0.0066%; no homozygotes.

Submissions (5):

Ambry Genetics
Classification: Likely benign for Cardiovascular phenotype. Last evaluated: 2026-05-28. Review status: criteria provided, single submitter. Criteria: Ambry Variant Classification Scheme 2023. Collection method: clinical testing. Allele origin: germline.

Labcorp Genetics (formerly Invitae), Labcorp
Classification: Likely benign for Dilated cardiomyopathy 1G; Autosomal recessive limb-girdle muscular dystrophy type 2J. Last evaluated: 2024-09-24. Review status: criteria provided, single submitter. Criteria: Invitae Variant Classification Sherloc (09022015). Collection method: clinical testing. Allele origin: germline.

Blueprint Genetics
Classification: Likely benign. Last evaluated: 2024-03-01. Review status: criteria provided, single submitter. Criteria: ACMG Guidelines, 2015. Collection method: clinical testing. Allele origin: germline.

GeneDx
Classification: Likely benign. Last evaluated: 2020-10-29. Review status: criteria provided, single submitter. Criteria: GeneDx Variant Classification Process June 2021. Collection method: clinical testing. Allele origin: germline. Affected: yes.

Laboratory for Molecular Medicine, Mass General Brigham Personalized Medicine
Classification: Likely benign. Last evaluated: 2015-09-09. Review status: criteria provided, single submitter. Criteria: LMM Criteria. Collection method: clinical testing. Allele origin: germline. Observed: 1 variant allele.
Comment: p.Ser26145Ser in exon 275 of TTN: This variant is not expected to have clinical significance because it does not alter an amino acid residue and is not located within the splice consensus sequence. It has been identified in 1/16488 South As ian chromosomes by the Exome Aggregation Consortium (ExAC).

NM_001267550.2(TTN):c.86139C>T (p.Ser28713=)

Genes: TTN (titin; minus strand), TTN-AS1 (TTN antisense RNA 1; plus strand). Cytogenetic location: 2q31.2.
Variant type: single nucleotide variant.
Coding change: c.86139C>T on transcript NM_001267550.2 (MANE Select); coding-DNA position 86139, C replaced by T.
Protein change: p.Ser28713=; no amino-acid change (serine 28713 retained).
Molecular consequence: synonymous variant.
Genome position (GRCh38, 1-based): chr2:178,559,993, G>A on the plus strand (C>T on the coding strand, the complement: TTN is on the minus strand). VCF-style: chr2-178559993-G-A. GRCh37 (hg19) VCF-style: chr2-179424720-G-A.
Other names: c.81216C>T, p.Ser27072= (NM_001256850.1); c.78435C>T, p.Ser26145= (NM_133378.4); c.58944C>T, p.Ser19648= (NM_003319.4); c.59319C>T, p.Ser19773= (NM_133432.3); c.59520C>T, p.Ser19840= (NM_133437.4).
Identifiers: ClinVar variation 228157 (VCV000228157.17), dbSNP rs750163793, ClinGen allele CA1988549.